The following is an entry in ClinVar:

ClinVar aggregate classification (germline): Pathogenic (1 of 4 stars; one submission).

Conditions:
Gastrointestinal stromal tumor. Also called: Gastrointestinal stromal tumor, somatic; Gastrointestinal stroma tumor. Identifiers: Orphanet 44890, MedGen C0238198, MeSH D046152, MONDO:0011719, OMIM 606764, HP:0100723.
Pheochromocytoma/paraganglioma syndrome 3. Also called: Paragangliomas 3; SDHC-Related Hereditary Paraganglioma-Pheochromocytoma Syndrome (Paragangliomas 3); SDHC-Related Hereditary Paraganglioma-Pheochromocytoma Syndrome; GLOMUS TUMORS, FAMILIAL, 3. Identifiers: Orphanet 29072, MedGen C1854336, MONDO:0011544, OMIM 605373.

Submission:

Labcorp Genetics (formerly Invitae), Labcorp
Classification: Pathogenic for Pheochromocytoma/paraganglioma syndrome 3; Gastrointestinal stromal tumor. Last evaluated: 2016-02-09. Review status: criteria provided, single submitter. Criteria: Invitae Variant Classification Sherloc (09022015). Collection method: clinical testing. Allele origin: germline.
Comment: This variant is a gross deletion of the genomic region encompassing exon 6 of the SDHC gene. The 5' boundary is likely confined to intron 5. The 3' end of this event is unknown as it extends through the termination codon beyond the assayed region for this gene and may encompass additional genes. While this deletion is not anticipated to result in nonsense mediated decay, it is expected to create a truncated SDHC protein. A deletion encompassing exon 6 has been reported to segregate with disease in one family affected with head and neck paragangliomas (PMID: 15342702). In the same study, it was also found in an independent individual affected with the same condition but not in any of the 103 control individuals tested (PMID: 15342702). For these reasons, this variant has been classified as Pathogenic.

NM_003001.3(SDHC):c.406-?_*2318+?del

Gene: SDHC (succinate dehydrogenase complex subunit C; plus strand).
Variant type: Deletion.
Coding change: c.406-?_*2318+?del on transcript NM_003001.3.
Other names: c.406-?_*2318+?del (LRG_317t1).
Identifiers: ClinVar variation 239456 (VCV000239456.1).